The following is an entry in ClinVar:

ClinVar aggregate classification (germline): Uncertain significance. Review status: criteria provided, multiple submitters, no conflicts (2 of 4 stars). 2 submissions from 2 submitters: Uncertain significance (2). Last evaluated 2025-01-07.

Allele frequency attached by ClinVar (database versions not stated): gnomAD exomes 0.00001; TOPMed below 0.00001; gnomAD 0.00001; ExAC 0.00001.
gnomAD v4.1: 4 of 1,612,428 alleles (0.00025%); highest among the groups gnomAD compares: Non-Finnish European, 0.00034%; no homozygotes.

Submissions (2):

Ambry Genetics
Classification: Uncertain significance. Last evaluated: 2025-01-07. Review status: criteria provided, single submitter. Criteria: Ambry Variant Classification Scheme 2023. Collection method: clinical testing. Allele origin: germline.
Comment: The p.Q48* variant (also known as c.142C>T), located in coding exon 2 of the RECQL gene, results from a C to T substitution at nucleotide position 142. This changes the amino acid from a glutamine to a stop codon within coding exon 2. This alteration is expected to result in loss of function by premature protein truncation or nonsense-mediated mRNA decay. The evidence for this gene-disease relationship is limited; therefore, the clinical significance of this alteration is unclear.

GeneDx
Classification: Uncertain significance. Last evaluated: 2023-07-26. Review status: criteria provided, single submitter. Criteria: GeneDx Variant Classification Process June 2021. Collection method: clinical testing. Allele origin: germline. Affected: yes.
Comment: Nonsense variant predicted to result in protein truncation or nonsense mediated decay in a gene or region of a gene for which loss of function is not an established mechanism of disease; Identified in an individual with bile duct cancer (Bertelsen et al., 2019); Not observed at significant frequency in large population cohorts (gnomAD); Variants in candidate genes are classified as variants of uncertain significance in accordance with ACMG guidelines (Richards et al., 2015); This variant is associated with the following publications: (PMID: 31263571)

NM_002907.4(RECQL):c.142C>T (p.Gln48Ter)

Gene: RECQL (RecQ like helicase; minus strand). Cytogenetic location: 12p12.1.
Variant type: single nucleotide variant.
Coding change: c.142C>T on transcript NM_002907.4 (MANE Select); coding-DNA position 142, C replaced by T.
Protein change: p.Gln48Ter; replaces glutamine 48 with a stop codon.
Molecular consequence: nonsense.
Genome position (GRCh38, 1-based): chr12:21,491,591, G>A on the plus strand (C>T on the coding strand, the complement: RECQL is on the minus strand). VCF-style: chr12-21491591-G-A. GRCh37 (hg19) VCF-style: chr12-21644525-G-A.
Other names: c.142C>T, p.Gln48Ter (NM_032941.3); short protein forms Q48*.
Identifiers: ClinVar variation 546004 (VCV000546004.6), dbSNP rs772102674, ClinGen allele CA6479194.
Genomic context (GRCh38, chr12:21,491,591, plus strand): 5'-AAGCGGCAGGTGAAGAATCATATTCATTGCTTGCCCCGGCATCAGAATCCTCTAAACACT[G>A]CTTTATTTTCTTTGTCAGGACTTTTTTTTTCTGAATAAGCTCTTGTTGCCTTTCCGTAAG-3'